The following is an entry in ClinVar:

NM_001111.5(ADAR):c.244A>G (p.Ser82Gly)

Gene: ADAR (adenosine deaminase RNA specific; minus strand). Cytogenetic location: 1q21.3.
Variant type: single nucleotide variant.
Coding change: c.244A>G on transcript NM_001111.5 (MANE Select); coding-DNA position 244, A replaced by G.
Protein change: p.Ser82Gly; replaces serine 82 with glycine.
Molecular consequence: missense variant. On other transcripts: 5 prime UTR variant (6).
Genome position (GRCh38, 1-based): chr1:154,602,398, T>C on the plus strand (A>G on the coding strand, the complement: ADAR is on the minus strand). VCF-style: chr1-154602398-T-C. GRCh37 (hg19) VCF-style: chr1-154574874-T-C.
Other names: c.-642A>G (NM_001025107.3, NM_001193495.2, NM_001365048.1); c.271A>G, p.Ser91Gly (NM_001365045.1); c.-506A>G (NM_001365046.1, NM_001365047.1, NM_001365049.1); c.244A>G, p.Ser82Gly (NM_015840.4, NM_015841.4); short protein forms S82G, S91G.
Identifiers: ClinVar variation 3755016 (VCV003755016.2).

ClinVar aggregate classification (germline): Uncertain significance (1 of 4 stars; one submission).

Conditions:
Symmetrical dyschromatosis of extremities (DSH). Also called: RETICULATE ACROPIGMENTATION OF DOHI; SYMMETRIC DYSCHROMATOSIS OF THE EXTREMITIES; Dyschromatosis symmetrica hereditaria; DYSCHROMATOSIS SYMMETRICA HEREDITARIA 1. Identifiers: Orphanet 41, MedGen C0406775, MONDO:0007483, OMIM 127400.
Aicardi-Goutieres syndrome 6 (AGS6). Identifiers: Orphanet 51, MedGen C3539013, MONDO:0014007, OMIM 615010.

gnomAD v4.1: 1 of 1,604,226 alleles (0.000062%); highest among the groups gnomAD compares: East Asian, 0.0022%; no homozygotes.

Submission:

Labcorp Genetics (formerly Invitae), Labcorp
Classification: Uncertain significance for Aicardi-Goutieres syndrome 6; Symmetrical dyschromatosis of extremities. Last evaluated: 2024-05-02. Review status: criteria provided, single submitter. Criteria: Invitae Variant Classification Sherloc (09022015). Collection method: clinical testing. Allele origin: germline.
Comment: This sequence change replaces serine, which is neutral and polar, with glycine, which is neutral and non-polar, at codon 82 of the ADAR protein (p.Ser82Gly). This variant is present in population databases (no rsID available, gnomAD 0.006%). This variant has not been reported in the literature in individuals affected with ADAR-related conditions. An algorithm developed to predict the effect of missense changes on protein structure and function (PolyPhen-2) suggests that this variant is likely to be tolerated. In summary, the available evidence is currently insufficient to determine the role of this variant in disease. Therefore, it has been classified as a Variant of Uncertain Significance.